The following is an entry in ClinVar:

ClinVar aggregate classification (germline): Uncertain significance (1 of 4 stars; one submission).

Allele frequency attached by ClinVar (database versions not stated): gnomAD 0.00001; gnomAD exomes 0.00001 and 0.00002; ExAC 0.00002; TOPMed 0.00002.
gnomAD v4.1: 23 of 1,610,604 alleles (0.0014%); highest among the groups gnomAD compares: Non-Finnish European, 0.0014%; no homozygotes.

Submission:

CeGaT Center for Human Genetics Tuebingen
Classification: Uncertain significance. Last evaluated: 2026-03-01. Review status: criteria provided, single submitter. Criteria: CeGaT Center For Human Genetics Tuebingen Variant Classification Criteria Version 2. Collection method: clinical testing. Allele origin: germline. Affected: yes. Observed: 2 variant alleles.
Comment: TTN: PM2, BP4

NM_133379.5(TTN):c.11087A>G (p.Lys3696Arg)

Gene: TTN (titin; minus strand). Cytogenetic location: 2q31.2.
Variant type: single nucleotide variant.
Coding change: c.11087A>G on transcript NM_133379.5; coding-DNA position 11087, A replaced by G.
Protein change: p.Lys3696Arg; replaces lysine 3696 with arginine.
Molecular consequence: missense variant. On other transcripts: intron variant (6).
Genome position (GRCh38, 1-based): chr2:178,751,313, T>C on the plus strand (A>G on the coding strand, the complement: TTN is on the minus strand). VCF-style: chr2-178751313-T-C. GRCh37 (hg19) VCF-style: chr2-179616040-T-C.
Other names: c.10222+1811A>G (NM_003319.4); c.10798+1811A>G (NM_133437.4); c.10597+1811A>G (NM_133432.3); c.10360+1811A>G (NM_133378.4, NM_001256850.1); c.11311+1811A>G (NM_001267550.2); short protein forms K3696R.
Identifiers: ClinVar variation 809086 (VCV000809086.35), dbSNP rs541028933, ClinGen allele CA2003798.